The following is an entry in ClinVar:

NM_000487.6(ARSA):c.370G>T (p.Gly124Cys)

Gene: ARSA (arylsulfatase A; minus strand). Cytogenetic location: 22q13.33.
Variant type: single nucleotide variant.
Coding change: c.370G>T on transcript NM_000487.6 (MANE Select); coding-DNA position 370, G replaced by T.
Protein change: p.Gly124Cys; replaces glycine 124 with cysteine.
Molecular consequence: missense variant.
Genome position (GRCh38, 1-based): chr22:50,627,261, C>A on the plus strand (G>T on the coding strand, the complement: ARSA is on the minus strand). VCF-style: chr22-50627261-C-A. GRCh37 (hg19) VCF-style: chr22-51065689-C-A.
Other names: c.370G>T, p.Gly124Cys (NM_001085425.3, NM_001085426.3, NM_001085427.3); c.112G>T, p.Gly38Cys (NM_001085428.3, NM_001362782.2); short protein forms G124C, G38C.
Identifiers: ClinVar variation 1511352 (VCV001511352.10), dbSNP rs74315461, ClinGen allele CA325531581.

ClinVar aggregate classification (germline): Likely pathogenic (1 of 4 stars; one submission).

Conditions:
Metachromatic leukodystrophy (MLD). Also called: ARSA DEFICIENCY; CEREBROSIDE SULFATASE DEFICIENCY; METACHROMATIC LEUKOENCEPHALOPATHY; SULFATIDE LIPIDOSIS; Cerebral sclerosis diffuse metachromatic form; Arylsulfatase A Deficiency. Identifiers: Orphanet 512, MedGen C0023522, MONDO:0018868, OMIM 250100.

Submissions (2):

Labcorp Genetics (formerly Invitae), Labcorp
Classification: Likely pathogenic for Metachromatic leukodystrophy. Last evaluated: 2025-05-27. Review status: criteria provided, single submitter. Criteria: Invitae Variant Classification Sherloc (09022015). Collection method: clinical testing. Allele origin: germline.
Comment: This sequence change replaces glycine, which is neutral and non-polar, with cysteine, which is neutral and slightly polar, at codon 124 of the ARSA protein (p.Gly124Cys). This variant is not present in population databases (gnomAD no frequency). This missense change has been observed in individual(s) with metachromatic leukodystrophy (PMID: 19021637). This variant is also known as p.G122C. ClinVar contains an entry for this variant (Variation ID: 1511352). Invitae Evidence Modeling of protein sequence and biophysical properties (such as structural, functional, and spatial information, amino acid conservation, physicochemical variation, residue mobility, and thermodynamic stability) indicates that this missense variant is expected to disrupt ARSA protein function with a positive predictive value of 95%. This variant disrupts the p.Gly124 amino acid residue in ARSA. Other variant(s) that disrupt this residue have been determined to be pathogenic (PMID: 32632536, 33185815). This suggests that this residue is clinically significant, and that variants that disrupt this residue are likely to be disease-causing. In summary, the currently available evidence indicates that the variant is pathogenic, but additional data are needed to prove that conclusively. Therefore, this variant has been classified as Likely Pathogenic.

Gelb Laboratory, University of Washington
No classification provided (evidence only). Condition: Metachromatic leukodystrophy. Review status: no classification provided. Collection method: in vitro. Allele origin: not applicable. Functional consequence: loss of function. Not counted in ClinVar's aggregate classification.

Literature cited by the submitters: PubMed 19021637 (cited by Labcorp Genetics (formerly Invitae), Labcorp); PubMed 32632536 (cited by Labcorp Genetics (formerly Invitae), Labcorp); PubMed 33185815 (cited by Labcorp Genetics (formerly Invitae), Labcorp).